The following is an entry in ClinVar:

ClinVar aggregate classification (germline): Uncertain significance. Review status: criteria provided, multiple submitters, no conflicts (2 of 4 stars). 3 submissions from 3 submitters: Uncertain significance (3). Last evaluated 2026-03-19.

Conditions:
Inborn genetic diseases. Identifiers: MedGen C0950123, MeSH D030342.
Branchiooculofacial syndrome (BOFS). Also called: BOF SYNDROME; HEMANGIOMATOUS BRANCHIAL CLEFTS-LIP PSEUDOCLEFT SYNDROME; LIP PSEUDOCLEFT-HEMANGIOMATOUS BRANCHIAL CYST SYNDROME; Branchio-Oculo-Facial Syndrome. Identifiers: Orphanet 1297, MedGen C0376524, MeSH D019280, MONDO:0007235, OMIM 113620.

Allele frequency attached by ClinVar (database versions not stated): TOPMed 0.00001; gnomAD exomes below 0.00001.

Submissions (3):

Ambry Genetics
Classification: Uncertain significance for Inborn genetic diseases. Last evaluated: 2026-03-19. Review status: criteria provided, single submitter. Criteria: Ambry Variant Classification Scheme 2023. Collection method: clinical testing. Allele origin: germline.

Fulgent Genetics
Classification: Uncertain significance for Branchiooculofacial syndrome. Last evaluated: 2021-10-19. Review status: criteria provided, single submitter. Criteria: ACMG Guidelines, 2015. Collection method: clinical testing. Allele origin: unknown.

Labcorp Genetics (formerly Invitae), Labcorp
Classification: Uncertain significance. Last evaluated: 2021-07-30. Review status: criteria provided, single submitter. Criteria: Invitae Variant Classification Sherloc (09022015). Collection method: clinical testing. Allele origin: germline.
Comment: In summary, the available evidence is currently insufficient to determine the role of this variant in disease. Therefore, it has been classified as a Variant of Uncertain Significance. Algorithms developed to predict the effect of missense changes on protein structure and function (SIFT, PolyPhen-2, Align-GVGD) all suggest that this variant is likely to be disruptive. This variant has not been reported in the literature in individuals affected with TFAP2A-related conditions. This variant is not present in population databases (ExAC no frequency). This sequence change replaces asparagine with serine at codon 285 of the TFAP2A protein (p.Asn285Ser). The asparagine residue is highly conserved and there is a small physicochemical difference between asparagine and serine.

NM_001372066.1(TFAP2A):c.860A>G (p.Asn287Ser)

Gene: TFAP2A (transcription factor AP-2 alpha; minus strand). Cytogenetic location: 6p24.3.
Variant type: single nucleotide variant.
Coding change: c.860A>G on transcript NM_001372066.1 (MANE Select); coding-DNA position 860, A replaced by G.
Protein change: p.Asn287Ser; replaces asparagine 287 with serine.
Molecular consequence: missense variant.
Genome position (GRCh38, 1-based): chr6:10,402,521, T>C on the plus strand (A>G on the coding strand, the complement: TFAP2A is on the minus strand). VCF-style: chr6-10402521-T-C. GRCh37 (hg19) VCF-style: chr6-10402754-T-C.
Other names: NM_003220.2:c.854A>G; c.836A>G, p.Asn279Ser (NM_001032280.3); c.842A>G, p.Asn281Ser (NM_001042425.3); short protein forms N279S, N281S, N287S.
Identifiers: ClinVar variation 1346757 (VCV001346757.8), dbSNP rs1021266565, ClinGen allele CA134046291.
Genomic context (GRCh38, chr6:10,402,521, plus strand): 5'-TTCCTTCTAGTTAGCAAGTGGATTCGCTTACCCTCTACTAGTGATGTGAGCAGGGTAACG[T>C]TGGCAGCTTTACGTCTCCCTGCAGGCAGATTTAATCCTATTTTGTCCAGTTTTTCTCTTA-3'
Protein context (NP_001358995.1, residues 277-297): NLPAGRRKAA[Asn287Ser]VTLLTSLVEG